The following is an entry in ClinVar:

ClinVar aggregate classification (germline): Conflicting classifications of pathogenicity. Review status: criteria provided, conflicting classifications (1 of 4 stars). 9 submissions from 9 submitters: Likely pathogenic (1); Uncertain significance (6). 2 of the submissions do not count toward it. Last evaluated 2026-08-25.

Conditions:
Autosomal dominant polycystic kidney disease. Identifiers: Orphanet 730, MedGen C0085413, MONDO:0004691.
Polycystic kidney disease. Also called: Polycystic kidney dysplasia; Kidney, Polycystic. Identifiers: MedGen C0022680, MeSH D007690, MONDO:0020642, HP:0000113.
PKD2-related disorder. Also called: PKD2-related condition.
Polycystic kidney disease 2 (PKD2). Also called: Polycystic Kidney Disease 2, Autosomal Dominant; POLYCYSTIC KIDNEY DISEASE 2 WITH OR WITHOUT POLYCYSTIC LIVER DISEASE; POLYCYSTIC KIDNEY DISEASE, ADULT, TYPE II. Identifiers: MedGen C2751306, MONDO:0013131, OMIM 613095.

Submissions (9):

GeneDx
Classification: Uncertain significance. Last evaluated: 2026-08-25. Review status: criteria provided, single submitter. Criteria: GeneDx Variant Classification Process June 2021. Collection method: clinical testing. Allele origin: germline.
Comment: In-frame deletion of 2 amino acid(s) in a non-repeat region; In silico analysis supports a deleterious effect on protein structure/function; This variant is associated with the following publications: (PMID: 27071085, 31589614, 30476936, 37028763, 14993477)

Labcorp Genetics (formerly Invitae), Labcorp
Classification: Uncertain significance for Autosomal dominant polycystic kidney disease. Last evaluated: 2026-01-27. Review status: criteria provided, single submitter. Criteria: Invitae Variant Classification Sherloc (09022015). Collection method: clinical testing. Allele origin: germline.
Comment: This variant, c.2208_2213del, results in the deletion of 2 amino acid(s) of the PKD2 protein (p.Leu736_Asn737del), but otherwise preserves the integrity of the reading frame. This variant is present in population databases (rs778896252, gnomAD 0.02%). This variant has been observed in individual(s) with clinical features of polycystic kidney disease (PMID: 14993477, 33168999). ClinVar contains an entry for this variant (Variation ID: 618322). Algorithms developed to predict the effect of variants on gene product structure and function are not available or were not evaluated for this variant. Experimental studies are conflicting or provide insufficient evidence to determine the effect of this variant on PKD2 function (PMID: 27071085, 37028763). In summary, the available evidence is currently insufficient to determine the role of this variant in disease. Therefore, it has been classified as a Variant of Uncertain Significance.

PreventionGenetics, part of Exact Sciences
Classification: Uncertain significance for PKD2-related condition. Last evaluated: 2024-12-02. Review status: criteria provided, single submitter. Criteria: ACMG Guidelines, 2015. Collection method: clinical testing. Allele origin: germline.
Comment: The PKD2 c.2208_2213del6 variant is predicted to result in an in-frame deletion (p.Leu736_Asn737del). This variant has been reported to segregate with autosomal dominant polycystic kidney disease (ADPKD) in a Czech family with a mild clinical course (Family HD 31 at Stekrová et al. 2004. PubMed ID: 14993477). Functional studies showed this variant caused a mild effect on ion channel activity of a gain-of-function polycystin-2, PC2_F604P, expressed in Xenopus oocytes (Wang et al. 2023. PubMed ID: 37028763). This variant is also listed as a variant of uncertain significance (VUS) in an ADPKD-specific variant database. This variant is reported in 0.017% of alleles in individuals of European (Non-Finnish) descent in gnomAD. At this time, the clinical significance of this variant is uncertain due to the absence of conclusive functional and genetic evidence.

Fulgent Genetics
Classification: Uncertain significance for Polycystic kidney disease 2. Last evaluated: 2024-03-02. Review status: criteria provided, single submitter. Criteria: ACMG Guidelines, 2015. Collection method: clinical testing. Allele origin: germline.

Mayo Clinic Laboratories, Mayo Clinic
Classification: Uncertain significance. Last evaluated: 2023-12-07. Review status: criteria provided, single submitter. Criteria: ACMG Guidelines, 2015. Collection method: clinical testing. Allele origin: germline. Observed: 1 variant allele.
Comment: BS1, PP1, PM4

Women's Health and Genetics/Laboratory Corporation of America, LabCorp
Classification: Uncertain significance. Last evaluated: 2023-05-10. Review status: criteria provided, single submitter. Criteria: LabCorp Variant Classification Summary - May 2015. Collection method: clinical testing. Allele origin: germline.
Comment: Variant summary: PKD2 c.2208_2213delAAACTT (p.Leu736_Asn737del) results in an in-frame deletion that is predicted to remove two amino acids from the encoded protein. The variant allele was found at a frequency of 9.9e-05 in 251364 control chromosomes. This frequency is not significantly higher than estimated for a pathogenic variant in PKD2 causing Polycystic Kidney Disease 2 (9.9e-05 vs 0.00013), allowing no conclusion about variant significance. c.2208_2213delAAACTT has been reported in the literature in an individual reportedly affected with features of polycycstic kidney disease (Strekov_2004). It has subsequently been reported in one case from a cohort of very early onset polycystic kidney disease with a co-occurring pathogenic variant in the PKD1 gene and a different paternal PKD2 variant that was inherited from an unaffected father (example, Durkie_2021). This variant and the pathogenic PKD1 variant were inherited from an affected mother. At-least one co-occurrence with another pathogenic variant(s) have been reported as summarized above (Durkie_2021, PKD1 c.11713-2A>T), providing supporting evidence for a benign role. To our knowledge, digenic inheritance of PKD1 and PKD2 variants has not been confirmed as a disease association. Therefore, these data do not allow any conclusion about variant significance. At least two publications report experimental evidence evaluating an impact on protein function, however, does not allow convincing conclusions about the variant effect (example, Arif Pavel_2016, Petri_2010). The following publications have been ascertained in the context of this evaluation (PMID: 27071085, 28356211, 33168999, 20439752, 14993477). Four clinical diagnostic laboratories have submitted clinical-significance assessments for this variant to ClinVar after 2014 without evidence for independent evaluation (LP, n=1; VUS, n=3). Based on the evidence outlined above, the variant was classified as uncertain significance.

ARUP Laboratories, Molecular Genetics and Genomics, ARUP Laboratories
Classification: Likely pathogenic. Last evaluated: 2017-05-31. Review status: criteria provided, single submitter. Criteria: ARUP Molecular Germline Variant Investigation Process. Collection method: clinical testing. Allele origin: germline.

Gharavi Laboratory, Columbia University
Classification: Uncertain significance. Last evaluated: 2018-09-16. Review status: no assertion criteria provided. Criteria: ACMG Guidelines, 2015. Collection method: research. Allele origin: germline. Affected: no. Not counted in ClinVar's aggregate classification.

Department of Pathology and Laboratory Medicine, Sinai Health System
Classification: Likely pathogenic for Polycystic Kidney disease. Review status: no assertion criteria provided. Collection method: clinical testing. Allele origin: unknown. Affected: yes. Observed: 1 variant allele. Study: The Canadian Open Genetics Repository (COGR). Not counted in ClinVar's aggregate classification.
Comment: The PKD2 p.Leu736_Asn737del variant was identified in 1 of 230 proband chromosomes (frequency: 0.004) from individuals or families with ADPKD and segregated with disease in multiple affected family members (Stekrova 2004). The variant was also identified in dbSNP (ID: rs778896252), LOVD 3.0 (2x ), and in ADPKD Mutation Database (as Highly Likely Pathogenic). The variant was not identified in ClinVar, or PKD1-LOVD. The variant was not identified in the following control databases: the Exome Aggregation Consortium (August 8th 2016), or the Genome Aggregation Database (Feb 27, 2017). This variant is an in-frame deletion resulting in the removal of a Leucine (Leu) and Asparagine (Asn) residue at codon 736 and 737; the impact of this alteration on PKD2 protein function is not known. In summary, based on the above information the clinical significance of this variant cannot be determined with certainty at this time although we would lean towards a more pathogenic role for this variant. This variant is classified as likely pathogenic.

Literature cited by the submitters: PubMed 14993477 (cited by 3 submitters); PubMed 33168999 (cited by 3 submitters); PubMed 27071085 (cited by 3 submitters); PubMed 37028763 (cited by Labcorp Genetics (formerly Invitae), Labcorp); PubMed 20439752 (cited by Mayo Clinic Laboratories, Mayo Clinic and Women's Health and Genetics/Laboratory Corporation of America, LabCorp); PubMed 28356211 (cited by Mayo Clinic Laboratories, Mayo Clinic and Women's Health and Genetics/Laboratory Corporation of America, LabCorp); PubMed 30476936 (cited by Mayo Clinic Laboratories, Mayo Clinic); PubMed 31589614 (cited by Mayo Clinic Laboratories, Mayo Clinic).

NM_000297.4(PKD2):c.2208_2213del (p.Leu736_Asn737del)

Gene: PKD2 (polycystin 2, transient receptor potential cation channel; plus strand). Cytogenetic location: 4q22.1.
Variant type: Deletion.
Coding change: c.2208_2213del on transcript NM_000297.4 (MANE Select); coding-DNA positions 2208 to 2213, 6 bases deleted (AAACTT; older notation c.2208_2213delAAACTT).
Protein change: p.Leu736_Asn737del.
Molecular consequence: inframe deletion. On other transcripts: non-coding transcript variant (1).
Genome position (GRCh38, 1-based): chr4:88,065,463-88,065,468, AAACTT deleted; deleting any 6 consecutive bases within chr4:88,065,461-88,065,468 gives the same sequence; the c. name uses the placement nearest the transcript's 3' end. VCF-style (leftmost placement, unchanged base first): chr4-88065460-GTTAAAC-G. GRCh37 (hg19) VCF-style: chr4-88986612-GTTAAAC-G.
Other names: c.2208_2213del6 (NM_000297.3); c.2208_2213delAAACTT (NM_000297.3).
Identifiers: ClinVar variation 618322 (VCV000618322.23), dbSNP rs778896252, ClinGen allele CA3004160.